The following is an entry in ClinVar:

NM_001323289.2(CDKL5):c.145+17A>G

Gene: CDKL5 (cyclin dependent kinase like 5; plus strand). Cytogenetic location: Xp22.13.
Variant type: single nucleotide variant.
Coding change: c.145+17A>G on transcript NM_001323289.2 (MANE Select); 17 bases into the intron after coding-DNA position 145, A replaced by G.
Molecular consequence: intron variant.
Genome position (GRCh38, 1-based): chrX:18,564,539, A>G. VCF-style: chrX-18564539-A-G. GRCh37 (hg19) VCF-style: chrX-18582659-A-G.
Other names: c.145+17A>G (NM_003159.3, NM_001037343.2).
Identifiers: ClinVar variation 136709 (VCV000136709.16), dbSNP rs199814742, ClinGen allele CA199331.

ClinVar aggregate classification (germline): Benign/Likely benign. Review status: criteria provided, multiple submitters, no conflicts (2 of 4 stars). 9 submissions from 8 submitters: Benign (4); Likely benign (1). 4 of the submissions do not count toward it. Last evaluated 2026-02-03.

Conditions:
CDKL5 disorder. Identifiers: MedGen CN296942, MONDO:0100039.
Developmental and epileptic encephalopathy, 2 (DEE2). Also called: INFANTILE SPASM SYNDROME, X-LINKED 2; CDKL5 deficiency disorder. Identifiers: Orphanet 1934, Orphanet 3451, Orphanet 505652, MedGen C4750718, MONDO:0010396, OMIM 300672.
Angelman syndrome-like. Identifiers: MedGen CN128785.

Allele frequency attached by ClinVar (database versions not stated): gnomAD 0.00356 and 0.00355; TOPMed 0.00322; ExAC 0.01393; 1000 Genomes Project 0.00106; ESP Exome Variant Server 0.00353; gnomAD exomes 0.00594 and 0.00980; 1000 Genomes Project 30x 0.00146.
gnomAD v4.1: 3,482 of 623,579 alleles (0.56%); highest among the groups gnomAD compares: Middle Eastern, 1.6%; 30 homozygotes.

Submissions (9):

Labcorp Genetics (formerly Invitae), Labcorp
Classification: Benign for Developmental and epileptic encephalopathy, 2; Angelman syndrome-like. Last evaluated: 2026-02-03. Review status: criteria provided, single submitter. Criteria: Invitae Variant Classification Sherloc (09022015). Collection method: clinical testing. Allele origin: germline.

Centre for Population Genomics, CPG
Classification: Benign for CDKL5 disorder. Last evaluated: 2024-07-04. Review status: criteria provided, single submitter. Criteria: McKnight et al. (Hum Mutat. 2022). Collection method: curation. Allele origin: germline. Inheritance: X-linked inheritance.
Comment: This variant has been collected from RettBASE and curated to current modified ACMG/AMP criteria. Based on the classification scheme defined by the ClinGen Rett/Angelman-like Expert Panel for Rett/AS-like Disorders Specifications to the ACMG/AMP Variant Interpretation Guidelines VCEP 3.0, this variant is classified as benign. At least the following criteria are met: The allele frequency of this variant in at least one population in gnomAD is higher than the 0.03% threshold defined by the ClinGen Rett/Angelman-like Expert Panel for Rett/AS-like Disorders VCEP 3.0 (BA1). The computational splicing predictor SpliceAI does not support significant splicing alteration (score of <=0.1) (BP4).

Fulgent Genetics
Classification: Likely benign for Developmental and epileptic encephalopathy, 2. Last evaluated: 2022-05-03. Review status: criteria provided, single submitter. Criteria: ACMG Guidelines, 2015. Collection method: clinical testing. Allele origin: unknown.

Eurofins Ntd Llc (ga)
Classification: Benign. Last evaluated: 2015-06-29. Review status: criteria provided, single submitter. Criteria: EGL Classification Definitions 2015. Collection method: clinical testing. Allele origin: germline. Observed: 3 variant alleles, 1 heterozygote, 1 homozygote, 1 hemizygote.

GeneDx
Classification: Benign. Last evaluated: 2012-03-15. Review status: criteria provided, single submitter. Criteria: GeneDx Variant Classification (06012015). Collection method: clinical testing. Allele origin: germline. Affected: yes.
Comment: This variant is considered likely benign or benign based on one or more of the following criteria: it is a conservative change, it occurs at a poorly conserved position in the protein, it is predicted to be benign by multiple in silico algorithms, and/or has population frequency not consistent with disease.

RettBASE
Classification: Benign. Last evaluated: 2014-05-09. Review status: no assertion criteria provided. Collection method: curation. Allele origin: unknown. Observed: 5 variant alleles. Not counted in ClinVar's aggregate classification.

Diagnostic Laboratory, Department of Genetics, University Medical Center Groningen
Classification: Likely benign for Developmental and epileptic encephalopathy, 2. Review status: no assertion criteria provided. Collection method: clinical testing. Allele origin: germline. Affected: yes. Study: VKGL Data-share Consensus. Not counted in ClinVar's aggregate classification.

Genome Diagnostics Laboratory, University Medical Center Utrecht
Classification: Benign. Review status: no assertion criteria provided. Collection method: clinical testing. Allele origin: germline. Affected: yes. Study: VKGL Data-share Consensus. Not counted in ClinVar's aggregate classification.

RettBASE
No classification provided. Review status: flagged submission. Collection method: not provided. Allele origin: not provided. Not counted in ClinVar's aggregate classification.
ClinVar note: Reason: This record appears to be redundant with a more recent record from the same submitter.
ClinVar note: Notes: SCV000189197 appears to be redundant with SCV000222252.

Literature cited by the submitters: PubMed 15499549 (cited by RettBASE); PubMed 22867051 (cited by RettBASE).